The following is an entry in ClinVar:

ClinVar aggregate classification (germline): Likely benign (0 of 4 stars; one submission).

Conditions:
CAST-related disorder. Also called: CAST-related condition.

Allele frequency attached by ClinVar (database versions not stated): gnomAD exomes 0.00003; ExAC 0.00006; gnomAD 0.00013; ESP Exome Variant Server 0.00015; 1000 Genomes Project 30x 0.00016; 1000 Genomes Project 0.00020; TOPMed 0.00022.
gnomAD v4.1: 61 of 1,613,396 alleles (0.0038%); highest among the groups gnomAD compares: African/African-American, 0.076%; no homozygotes.

Submission:

PreventionGenetics, part of Exact Sciences
Classification: Likely benign for CAST-related condition. Last evaluated: 2019-04-10. Review status: no assertion criteria provided. Collection method: clinical testing. Allele origin: germline.
Comment: This variant is classified as likely benign based on ACMG/AMP sequence variant interpretation guidelines (Richards et al. 2015 PMID: 25741868, with internal and published modifications).

NM_001750.7(CAST):c.1488T>C (p.Cys496=)

Gene: CAST (calpastatin; plus strand). Cytogenetic location: 5q15.
Variant type: single nucleotide variant.
Coding change: c.1488T>C on transcript NM_001750.7 (MANE Select); coding-DNA position 1488, T replaced by C.
Protein change: p.Cys496=; no amino-acid change (cysteine 496 retained).
Molecular consequence: synonymous variant. On other transcripts: non-coding transcript variant (1).
Genome position (GRCh38, 1-based): chr5:96,750,646, T>C. VCF-style: chr5-96750646-T-C. GRCh37 (hg19) VCF-style: chr5-96086350-T-C.
Other names: c.1365T>C, p.Cys455= (NM_001042440.5, NM_001330627.2); c.1431T>C, p.Cys477= (NM_001042441.3); c.1422T>C, p.Cys474= (NM_001042442.3, NM_001329966.1); c.1239T>C, p.Cys413= (NM_001042443.3, NM_001423250.1); c.1116T>C, p.Cys372= (NM_001042444.3, NM_001284212.4); c.1134T>C, p.Cys378= (NM_001042445.3, NM_001423255.1, NM_001423256.1 and 3 more transcripts); c.1077T>C, p.Cys359= (NM_001042446.3, NM_001330630.2, NM_001423260.1); c.1200T>C, p.Cys400= (NM_001190442.2, NM_001330631.2, NM_001423251.1 and 1 more transcripts); and 8 more.
Identifiers: ClinVar variation 3057430 (VCV003057430.2), dbSNP rs138628849, ClinGen allele CA3351349.